The following is an entry in ClinVar:

NM_206933.4(USH2A):c.4174G>C (p.Gly1392Arg)

Genes: USH2A (usherin; minus strand), USH2A-AS1 (USH2A antisense RNA 1; plus strand). Cytogenetic location: 1q41.
Variant type: single nucleotide variant.
Coding change: c.4174G>C on transcript NM_206933.4 (MANE Select); coding-DNA position 4174, G replaced by C.
Protein change: p.Gly1392Arg; replaces glycine 1392 with arginine.
Molecular consequence: missense variant.
Genome position (GRCh38, 1-based): chr1:216,196,630, C>G on the plus strand (G>C on the coding strand, the complement: USH2A is on the minus strand). VCF-style: chr1-216196630-C-G. GRCh37 (hg19) VCF-style: chr1-216369972-C-G.
Other names: c.4174G>C, p.Gly1392Arg (NM_007123.6); short protein forms G1392R.
Identifiers: ClinVar variation 3633761 (VCV003633761.2).

ClinVar aggregate classification (germline): Likely pathogenic (1 of 4 stars; one submission).

gnomAD v4.1: 1 of 1,613,448 alleles (0.000062%); highest among the groups gnomAD compares: Non-Finnish European, 0.000085%; no homozygotes.

Submission:

Labcorp Genetics (formerly Invitae), Labcorp
Classification: Likely pathogenic. Last evaluated: 2024-08-13. Review status: criteria provided, single submitter. Criteria: Invitae Variant Classification Sherloc (09022015). Collection method: clinical testing. Allele origin: germline.
Comment: This sequence change replaces glycine, which is neutral and non-polar, with arginine, which is basic and polar, at codon 1392 of the USH2A protein (p.Gly1392Arg). This variant is present in population databases (no rsID available, gnomAD 0.007%). This missense change has been observed in individual(s) with USH2A-related conditions (Invitae). In at least one individual the data is consistent with being in trans (on the opposite chromosome) from a pathogenic variant. Invitae Evidence Modeling of protein sequence and biophysical properties (such as structural, functional, and spatial information, amino acid conservation, physicochemical variation, residue mobility, and thermodynamic stability) indicates that this missense variant is expected to disrupt USH2A protein function with a positive predictive value of 95%. In summary, the currently available evidence indicates that the variant is pathogenic, but additional data are needed to prove that conclusively. Therefore, this variant has been classified as Likely Pathogenic.